The following is an entry in ClinVar:

ClinVar aggregate classification (germline): Uncertain significance (1 of 4 stars; one submission).

Conditions:
Nephronophthisis. Also called: Juvenile Nephronophthisis. Identifiers: Orphanet 655, MedGen C0687120, MONDO:0019005, HP:0000090.

Allele frequency attached by ClinVar (database versions not stated): gnomAD exomes below 0.00001; TOPMed below 0.00001.
gnomAD v4.1: 3 of 1,614,022 alleles (0.00019%); highest among the groups gnomAD compares: Non-Finnish European, 0.00025%; no homozygotes.

Submission:

Labcorp Genetics (formerly Invitae), Labcorp
Classification: Uncertain significance for Nephronophthisis. Last evaluated: 2021-11-15. Review status: criteria provided, single submitter. Criteria: Invitae Variant Classification Sherloc (09022015). Collection method: clinical testing. Allele origin: germline.
Comment: This sequence change replaces leucine, which is neutral and non-polar, with phenylalanine, which is neutral and non-polar, at codon 811 of the NPHP3 protein (p.Leu811Phe). This variant is not present in population databases (gnomAD no frequency). This variant has not been reported in the literature in individuals affected with NPHP3-related conditions. Algorithms developed to predict the effect of missense changes on protein structure and function are either unavailable or do not agree on the potential impact of this missense change (SIFT: "Deleterious"; PolyPhen-2: "Benign"; Align-GVGD: "Class C0"). In summary, the available evidence is currently insufficient to determine the role of this variant in disease. Therefore, it has been classified as a Variant of Uncertain Significance.

NM_153240.5(NPHP3):c.2433G>C (p.Leu811Phe)

Genes: NPHP3 (nephrocystin 3; minus strand), NPHP3-ACAD11 (NPHP3-ACAD11 readthrough (NMD candidate); minus strand). Cytogenetic location: 3q22.1.
Variant type: single nucleotide variant.
Coding change: c.2433G>C on transcript NM_153240.5 (MANE Select); coding-DNA position 2433, G replaced by C.
Protein change: p.Leu811Phe; replaces leucine 811 with phenylalanine.
Molecular consequence: missense variant. On other transcripts: non-coding transcript variant (1).
Genome position (GRCh38, 1-based): chr3:132,692,696, C>G on the plus strand (G>C on the coding strand, the complement: NPHP3 is on the minus strand). VCF-style: chr3-132692696-C-G. GRCh37 (hg19) VCF-style: chr3-132411540-C-G.
Other names: short protein forms L811F.
Identifiers: ClinVar variation 1393501 (VCV001393501.6), dbSNP rs1277600730, ClinGen allele CA354581319.